The following is an entry in ClinVar:

ClinVar aggregate classification (germline): Pathogenic (1 of 4 stars; one submission).

Conditions:
Basilicata-Akhtar syndrome. Also called: MENTAL RETARDATION, X-LINKED, SYNDROMIC, BASILICATA-AKHTAR TYPE; INTELLECTUAL DEVELOPMENTAL DISORDER, X-LINKED, SYNDROMIC, 36. Identifiers: MedGen C5231394, MONDO:0026730, OMIM 301032.

Submission:

3billion
Classification: Pathogenic for Basilicata-Akhtar syndrome. Last evaluated: 2021-10-02. Review status: criteria provided, single submitter. Criteria: ACMG Guidelines, 2015. Collection method: clinical testing. Allele origin: germline. Affected: yes. Observed: 1 heterozygote.
Comment: Frameshift: predicted to result in a loss or disruption of normal protein function through nonsense-mediated decay (NMD) or protein truncation. Multiple pathogenic variants are reported downstream of the variant (PVS1_VS). It is not observed in the gnomAD v2.1.1 dataset (PM2). The variant was observed as assumed (i.e. paternity and maternity not confirmed) de novoo (3billion dataset, PM6). Therefore, this variant is classified as pathogenic according to the recommendation of ACMG/AMP guideline.

NM_078629.4(MSL3):c.1226_1229del (p.Glu409fs)

Gene: MSL3 (MSL complex subunit 3; plus strand). Cytogenetic location: Xp22.2.
Variant type: Microsatellite.
Coding change: c.1226_1229del on transcript NM_078629.4 (MANE Select); coding-DNA positions 1226 to 1229, 4 bases deleted (AAGG; older notation c.1226_1229delAAGG).
Protein change: p.Glu409fs; shifts the reading frame from glutamic acid 409.
Molecular consequence: frameshift variant.
Genome position (GRCh38, 1-based): chrX:11,768,627-11,768,630, AAGG deleted; deleting any 4 consecutive bases within chrX:11,768,623-11,768,630 gives the same sequence; the c. name uses the placement nearest the transcript's 3' end. VCF-style (leftmost placement, unchanged base first): chrX-11768622-CAAGG-C. GRCh37 (hg19) VCF-style: chrX-11786741-CAAGG-C.
Other names: c.1190_1193del, p.Glu397fs (NM_001193270.2); c.779_782del, p.Glu260fs (NM_001282174.1); c.728_731del, p.Glu243fs (NM_006800.4); short protein forms E243fs, E260fs, E397fs, E409fs.
Identifiers: ClinVar variation 1320251 (VCV001320251.1), dbSNP rs2147250167, ClinGen allele CA2580615377.